The following is an entry in ClinVar:

NM_004068.4(AP2M1):c.850A>G (p.Ile284Val)

Gene: AP2M1 (adaptor related protein complex 2 subunit mu 1; plus strand). Cytogenetic location: 3q27.1.
Variant type: single nucleotide variant.
Coding change: c.850A>G on transcript NM_004068.4 (MANE Select); coding-DNA position 850, A replaced by G.
Protein change: p.Ile284Val; replaces isoleucine 284 with valine.
Molecular consequence: missense variant.
Genome position (GRCh38, 1-based): chr3:184,181,934, A>G. VCF-style: chr3-184181934-A-G. GRCh37 (hg19) VCF-style: chr3-183899722-A-G.
Other names: c.844A>G, p.Ile282Val (NM_001025205.2); c.925A>G, p.Ile309Val (NM_001311198.2); short protein forms I284V, I282V, I309V.
Identifiers: ClinVar variation 1435745 (VCV001435745.8), dbSNP rs2109031694, ClinGen allele CA355427810.

ClinVar aggregate classification (germline): Uncertain significance (1 of 4 stars; one submission).

Allele frequency attached by ClinVar (database versions not stated): gnomAD exomes below 0.00001.
gnomAD v4.1: 1 of 1,614,132 alleles (0.000062%); highest among the groups gnomAD compares: Non-Finnish European, 0.000085%; no homozygotes.

Submission:

Labcorp Genetics (formerly Invitae), Labcorp
Classification: Uncertain significance. Last evaluated: 2021-02-10. Review status: criteria provided, single submitter. Criteria: Invitae Variant Classification Sherloc (09022015). Collection method: clinical testing. Allele origin: germline.
Comment: In summary, the available evidence is currently insufficient to determine the role of this variant in disease. Therefore, it has been classified as a Variant of Uncertain Significance. Algorithms developed to predict the effect of missense changes on protein structure and function (SIFT, PolyPhen-2, Align-GVGD) all suggest that this variant is likely to be tolerated, but these predictions have not been confirmed by published functional studies and their clinical significance is uncertain. This variant has not been reported in the literature in individuals with AP2M1-related conditions. This variant is not present in population databases (ExAC no frequency). This sequence change replaces isoleucine with valine at codon 284 of the AP2M1 protein (p.Ile284Val). The isoleucine residue is moderately conserved and there is a small physicochemical difference between isoleucine and valine.